The following is an entry in ClinVar:

NM_001148.6(ANK2):c.8105A>G (p.Asn2702Ser)

Gene: ANK2 (ankyrin 2; plus strand). Cytogenetic location: 4q26.
Variant type: single nucleotide variant.
Coding change: c.8105A>G on transcript NM_001148.6 (MANE Select); coding-DNA position 8105, A replaced by G.
Protein change: p.Asn2702Ser; replaces asparagine 2702 with serine.
Molecular consequence: missense variant. On other transcripts: intron variant (68).
Genome position (GRCh38, 1-based): chr4:113,356,723, A>G. VCF-style: chr4-113356723-A-G. GRCh37 (hg19) VCF-style: chr4-114277879-A-G.
Other names: c.7871A>G, p.Asn2624Ser (NM_001386142.1); c.4505A>G, p.Asn1502Ser (NM_001386166.1); c.8246A>G, p.Asn2749Ser (NM_001386174.1); c.8222A>G, p.Asn2741Ser (NM_001386175.1); c.4412-4100A>G (NM_001386186.2, NM_001386148.2); c.4214-4100A>G (NM_001354269.3); c.4292-4100A>G (NM_001386187.2); c.4253-4100A>G (NM_001386147.1); and 35 more; short protein forms N2702S, N1502S, N2624S, N2741S, N2749S.
Identifiers: ClinVar variation 900437 (VCV000900437.10), dbSNP rs748404965, ClinGen allele CA3051712.

ClinVar aggregate classification (germline): Uncertain significance. Review status: criteria provided, multiple submitters, no conflicts (2 of 4 stars). 3 submissions from 3 submitters: Uncertain significance (3). Last evaluated 2023-03-01.

Conditions:
Cardiovascular phenotype. Identifiers: MedGen CN230736.
Cardiac arrhythmia, ankyrin-B-related. Also called: ANKYRIN-B SYNDROME. Identifiers: Orphanet 101016, Orphanet 768, MedGen C1970119, MONDO:0010958, OMIM 600919.
Long QT syndrome (LQTS). Identifiers: MedGen C0023976, MeSH D008133, MONDO:0002442. Disease mechanism: loss of function. Inheritance: Various modes of inheritance.

Allele frequency attached by ClinVar (database versions not stated): TOPMed below 0.00001; ExAC 0.00001; gnomAD exomes 0.00001 and 0.00002.
gnomAD v4.1: 6 of 1,614,012 alleles (0.00037%); highest among the groups gnomAD compares: Admixed American, 0.005%; no homozygotes.

Submissions (3):

Ambry Genetics
Classification: Uncertain significance for Cardiovascular phenotype. Last evaluated: 2023-03-01. Review status: criteria provided, single submitter. Criteria: Ambry Variant Classification Scheme 2023. Collection method: clinical testing. Allele origin: germline.

Labcorp Genetics (formerly Invitae), Labcorp
Classification: Uncertain significance for Long QT syndrome. Last evaluated: 2022-01-19. Review status: criteria provided, single submitter. Criteria: Invitae Variant Classification Sherloc (09022015). Collection method: clinical testing. Allele origin: germline.
Comment: This sequence change replaces asparagine, which is neutral and polar, with serine, which is neutral and polar, at codon 2702 of the ANK2 protein (p.Asn2702Ser). The frequency data for this variant in the population databases is considered unreliable, as metrics indicate poor data quality at this position in the gnomAD database. This variant has not been reported in the literature in individuals affected with ANK2-related conditions. ClinVar contains an entry for this variant (Variation ID: 900437). Algorithms developed to predict the effect of missense changes on protein structure and function output the following: SIFT: "Tolerated"; PolyPhen-2: "Benign"; Align-GVGD: "Class C0". The serine amino acid residue is found in multiple mammalian species, which suggests that this missense change does not adversely affect protein function. In summary, the available evidence is currently insufficient to determine the role of this variant in disease. Therefore, it has been classified as a Variant of Uncertain Significance.

Illumina Laboratory Services, Illumina
Classification: Uncertain significance for Cardiac arrhythmia, ankyrin-B-related. Last evaluated: 2018-03-23. Review status: criteria provided, single submitter. Criteria: ICSL Variant Classification Criteria 13 December 2019. Collection method: clinical testing. Allele origin: germline.